The following is an entry in ClinVar:

ClinVar aggregate classification (germline): Conflicting classifications of pathogenicity. Review status: criteria provided, conflicting classifications (1 of 4 stars). 4 submissions from 4 submitters: Uncertain significance (1); Likely benign (3). Last evaluated 2025-09-01.

Conditions:
OTOG-related disorder. Also called: OTOG-related condition.
Autosomal recessive nonsyndromic hearing loss 18B. Also called: Deafness, autosomal recessive 18b. Identifiers: Orphanet 90636, MedGen C3554163, MONDO:0013985, OMIM 614945.

Allele frequency attached by ClinVar (database versions not stated): gnomAD 0.00025 and 0.00026; 1000 Genomes Project 30x 0.00031; TOPMed 0.00032; 1000 Genomes Project 0.00040.
gnomAD v4.1: 280 of 1,550,258 alleles (0.018%); highest among the groups gnomAD compares: Admixed American, 0.18%; no homozygotes.

Submissions (4):

Labcorp Genetics (formerly Invitae), Labcorp
Classification: Likely benign. Last evaluated: 2025-09-01. Review status: criteria provided, single submitter. Criteria: Invitae Variant Classification Sherloc (09022015). Collection method: clinical testing. Allele origin: germline.

PreventionGenetics, part of Exact Sciences
Classification: Likely benign for OTOG-related condition. Last evaluated: 2025-01-05. Review status: criteria provided, single submitter. Criteria: ACMG Guidelines, 2015. Collection method: clinical testing. Allele origin: germline.
Comment: This variant is classified as likely benign based on ACMG/AMP sequence variant interpretation guidelines (Richards et al. 2015 PMID: 25741868, with internal and published modifications).

Fulgent Genetics
Classification: Uncertain significance for Autosomal recessive nonsyndromic hearing loss 18B. Last evaluated: 2024-05-08. Review status: criteria provided, single submitter. Criteria: ACMG Guidelines, 2015. Collection method: clinical testing. Allele origin: germline.

Laboratory for Molecular Medicine, Mass General Brigham Personalized Medicine
Classification: Likely benign. Last evaluated: 2018-08-24. Review status: criteria provided, single submitter. Criteria: LMM Criteria. Collection method: clinical testing. Allele origin: germline. Observed: 2 variant alleles.
Comment: The p.Asp2472Glu variant in OTOG is classified as likely benign because it has b een identified in 0.2% (54/24684) of Latino chromosomes by the Genome Aggregatio n Database (gnomAD,, dbSNP rs532385451) and the aspartic acid residue (Asp) at position 2472 is not conserved in mammals and ev olutionary distant species, raising the possibility that a change at this positi on may be tolerated. Computational prediction tools and conservation analysis su ggest that the p.Asp2472Glu variant may not impact the protein. ACMG/AMP Criteria applied: BS1_Supporting, BP4, PM5.

NM_001292063.2(OTOG):c.7380T>A (p.Asp2460Glu)

Gene: OTOG (otogelin; plus strand). Cytogenetic location: 11p15.1.
Variant type: single nucleotide variant.
Coding change: c.7380T>A on transcript NM_001292063.2 (MANE Select); coding-DNA position 7380, T replaced by A.
Protein change: p.Asp2460Glu; replaces aspartic acid 2460 with glutamic acid.
Molecular consequence: missense variant.
Genome position (GRCh38, 1-based): chr11:17,634,181, T>A. VCF-style: chr11-17634181-T-A. GRCh37 (hg19) VCF-style: chr11-17655728-T-A.
Other names: c.7416T>A, p.Asp2472Glu (NM_001277269.2); short protein forms D2472E, D2460E.
Identifiers: ClinVar variation 229103 (VCV000229103.15), dbSNP rs532385451, ClinGen allele CA5906125.